The following is an entry in ClinVar:

ClinVar aggregate classification (germline): Uncertain significance (1 of 4 stars; one submission).

Conditions:
Hereditary nonpolyposis colorectal neoplasms. Identifiers: MedGen C0009405, MeSH D003123.

Allele frequency attached by ClinVar (database versions not stated): gnomAD 0.00001.

Submission:

Labcorp Genetics (formerly Invitae), Labcorp
Classification: Uncertain significance for Hereditary nonpolyposis colorectal neoplasms. Last evaluated: 2023-11-21. Review status: criteria provided, single submitter. Criteria: Invitae Variant Classification Sherloc (09022015). Collection method: clinical testing. Allele origin: germline.
Comment: This sequence change replaces proline, which is neutral and non-polar, with alanine, which is neutral and non-polar, at codon 44 of the MSH6 protein (p.Pro44Ala). This variant is not present in population databases (gnomAD no frequency). This variant has not been reported in the literature in individuals affected with MSH6-related conditions. Advanced modeling of protein sequence and biophysical properties (such as structural, functional, and spatial information, amino acid conservation, physicochemical variation, residue mobility, and thermodynamic stability) performed at Invitae indicates that this missense variant is not expected to disrupt MSH6 protein function with a negative predictive value of 95%. In summary, the available evidence is currently insufficient to determine the role of this variant in disease. Therefore, it has been classified as a Variant of Uncertain Significance.

NM_000179.3(MSH6):c.130C>G (p.Pro44Ala)

Gene: MSH6 (mutS homolog 6; plus strand). Cytogenetic location: 2p16.3.
Variant type: single nucleotide variant.
Coding change: c.130C>G on transcript NM_000179.3 (MANE Select); coding-DNA position 130, C replaced by G.
Protein change: p.Pro44Ala; replaces proline 44 with alanine.
Molecular consequence: missense variant. On other transcripts: 5 prime UTR variant (7), synonymous variant (1), non-coding transcript variant (5), intron variant (5).
Genome position (GRCh38, 1-based): chr2:47,783,363, C>G. VCF-style: chr2-47783363-C-G. GRCh37 (hg19) VCF-style: chr2-48010502-C-G.
Other names: c.130C>G, p.Pro44Ala (NM_001281492.2, NM_001406795.1, NM_001406796.1 and 9 more transcripts); c.-607C>G (NM_001281493.2, NM_001406811.1); c.-199C>G (NM_001406799.1); c.75C>G, p.Pro25= (NM_001406804.1); c.-799C>G (NM_001406807.1); c.-454C>G (NM_001406812.1); c.-865C>G (NM_001406814.1); c.-410C>G (NM_001406816.1); and 3 more; short protein forms P44A.
Identifiers: ClinVar variation 2874951 (VCV002874951.3), dbSNP rs1558645097, ClinGen allele CA346734891.